The following is an entry in ClinVar:

NM_006329.4(FBLN5):c.505A>G (p.Ile169Val)

Gene: FBLN5 (fibulin 5; minus strand). Cytogenetic location: 14q32.12.
Variant type: single nucleotide variant.
Coding change: c.505A>G on transcript NM_006329.4 (MANE Select); coding-DNA position 505, A replaced by G.
Protein change: p.Ile169Val; replaces isoleucine 169 with valine.
Molecular consequence: missense variant.
Genome position (GRCh38, 1-based): chr14:91,891,335, T>C on the plus strand (A>G on the coding strand, the complement: FBLN5 is on the minus strand). VCF-style: chr14-91891335-T-C. GRCh37 (hg19) VCF-style: chr14-92357679-T-C.
Other names: c.628A>G, p.Ile210Val (NM_001384158.1); c.556A>G, p.Ile186Val (NM_001384159.1); c.505A>G, p.Ile169Val (NM_001384160.1); c.337A>G, p.Ile113Val (NM_001384161.1, NM_001384162.1); short protein forms I113V, I169V, I186V, I210V.
Identifiers: ClinVar variation 2422005 (VCV002422005.8), dbSNP rs909797735, ClinGen allele CA265599641.

ClinVar aggregate classification (germline): Uncertain significance. Review status: criteria provided, multiple submitters, no conflicts (2 of 4 stars). 3 submissions from 3 submitters: Uncertain significance (3). Last evaluated 2025-05-13.

Conditions:
Inborn genetic diseases. Identifiers: MedGen C0950123, MeSH D030342.

Allele frequency attached by ClinVar (database versions not stated): gnomAD exomes below 0.00001; gnomAD 0.00001; TOPMed 0.00001.
gnomAD v4.1: 4 of 1,605,800 alleles (0.00025%); highest among the groups gnomAD compares: African/African-American, 0.0027%; no homozygotes.

Submissions (3):

Ambry Genetics
Classification: Uncertain significance for Inborn genetic diseases. Last evaluated: 2025-05-13. Review status: criteria provided, single submitter. Criteria: Ambry Variant Classification Scheme 2023. Collection method: clinical testing. Allele origin: germline.

Labcorp Genetics (formerly Invitae), Labcorp
Classification: Uncertain significance. Last evaluated: 2024-09-29. Review status: criteria provided, single submitter. Criteria: Invitae Variant Classification Sherloc (09022015). Collection method: clinical testing. Allele origin: germline.
Comment: This sequence change replaces isoleucine, which is neutral and non-polar, with valine, which is neutral and non-polar, at codon 169 of the FBLN5 protein (p.Ile169Val). This variant is present in population databases (no rsID available, gnomAD 0.007%). This variant has not been reported in the literature in individuals affected with FBLN5-related conditions. ClinVar contains an entry for this variant (Variation ID: 2422005). An algorithm developed to predict the effect of missense changes on protein structure and function (PolyPhen-2) suggests that this variant is likely to be disruptive. In summary, the available evidence is currently insufficient to determine the role of this variant in disease. Therefore, it has been classified as a Variant of Uncertain Significance.

GeneDx
Classification: Uncertain significance. Last evaluated: 2024-04-04. Review status: criteria provided, single submitter. Criteria: GeneDx Variant Classification Process June 2021. Collection method: clinical testing. Allele origin: germline. Affected: yes.
Comment: Has not been previously published as pathogenic or benign to our knowledge; Not observed at significant frequency in large population cohorts (gnomAD); In silico analysis indicates that this missense variant does not alter protein structure/function